The following is an entry in ClinVar:

NM_001365951.3(KIF1B):c.3132T>G (p.Ser1044Arg)

Gene: KIF1B (kinesin family member 1B; plus strand). Cytogenetic location: 1p36.22.
Variant type: single nucleotide variant.
Coding change: c.3132T>G on transcript NM_001365951.3 (MANE Select); coding-DNA position 3132, T replaced by G.
Protein change: p.Ser1044Arg; replaces serine 1044 with arginine.
Molecular consequence: missense variant.
Genome position (GRCh38, 1-based): chr1:10,337,076, T>G. VCF-style: chr1-10337076-T-G. GRCh37 (hg19) VCF-style: chr1-10397134-T-G.
Other names: c.3132T>G, p.Ser1044Arg (NM_001365952.1); c.2994T>G, p.Ser998Arg (NM_015074.3); short protein forms S998R, S1044R.
Identifiers: ClinVar variation 4543639 (VCV004543639.1).
Genomic context (GRCh38, chr1:10,337,076, plus strand): 5'-GGGGAAAAATACGTTTTTATACTACTTTACCATGTATCTGCCCCTGCCTTTTTTTCAGAG[T>G]GACTTTTCGTCTGTTGCAATGACTCGTTCTGGTCTGTCCTTGGAGGAGTTGAGGATTGTG-3'
Protein context (NP_001352880.1, residues 1034-1054): ISFDNEYFNQ[Ser1044Arg]DFSSVAMTRS

ClinVar aggregate classification (germline): Uncertain significance (1 of 4 stars; one submission).

Submission:

Ambry Genetics
Classification: Uncertain significance. Last evaluated: 2025-10-03. Review status: criteria provided, single submitter. Criteria: Ambry Variant Classification Scheme 2023. Collection method: clinical testing. Allele origin: germline.
Comment: The p.S998R variant (also known as c.2994T>G), located in coding exon 27 of the KIF1B gene, results from a T to G substitution at nucleotide position 2994. The serine at codon 998 is replaced by arginine, an amino acid with dissimilar properties. This amino acid position is conserved. In addition, this alteration is predicted to be tolerated by in silico analysis. Based on the available evidence, the clinical significance of this variant remains unclear.